The following is an entry in ClinVar:

NM_020754.4(ARHGAP31):c.3014G>A (p.Arg1005Lys)

Gene: ARHGAP31 (Rho GTPase activating protein 31; plus strand). Cytogenetic location: 3q13.33.
Variant type: single nucleotide variant.
Coding change: c.3014G>A on transcript NM_020754.4 (MANE Select); coding-DNA position 3014, G replaced by A.
Protein change: p.Arg1005Lys; replaces arginine 1005 with lysine.
Molecular consequence: missense variant.
Genome position (GRCh38, 1-based): chr3:119,414,943, G>A. VCF-style: chr3-119414943-G-A. GRCh37 (hg19) VCF-style: chr3-119133790-G-A.
Other names: short protein forms R1005K.
Identifiers: ClinVar variation 3665231 (VCV003665231.2).
Genomic context (GRCh38, chr3:119,414,943, plus strand): 5'-ACCCTCTTCAGCCCCAGGCACCCAGGAGAGAGATTACTGGATGGGATGAGAAAGCCCTGA[G>A]GTCCTTCAGAGAGTTCTCTGGCCTGAAAGGGGCAGAGGCTCCTCCCAACCAGAAGGGACC-3'
Protein context (NP_065805.2, residues 995-1015): EITGWDEKAL[Arg1005Lys]SFREFSGLKG

ClinVar aggregate classification (germline): Uncertain significance (1 of 4 stars; one submission).

gnomAD v4.1: 21 of 1,614,092 alleles (0.0013%); highest among the groups gnomAD compares: African/African-American, 0.0027%; no homozygotes.

Submission:

Labcorp Genetics (formerly Invitae), Labcorp
Classification: Uncertain significance. Last evaluated: 2024-11-13. Review status: criteria provided, single submitter. Criteria: Invitae Variant Classification Sherloc (09022015). Collection method: clinical testing. Allele origin: germline.
Comment: This sequence change replaces arginine, which is basic and polar, with lysine, which is basic and polar, at codon 1005 of the ARHGAP31 protein (p.Arg1005Lys). This variant is present in population databases (no rsID available, gnomAD 0.002%). This variant has not been reported in the literature in individuals affected with ARHGAP31-related conditions. An algorithm developed to predict the effect of missense changes on protein structure and function outputs the following: PolyPhen-2: "Benign". The lysine amino acid residue is found in multiple mammalian species, which suggests that this missense change does not adversely affect protein function. In summary, the available evidence is currently insufficient to determine the role of this variant in disease. Therefore, it has been classified as a Variant of Uncertain Significance.